The following is an entry in ClinVar:

NM_017739.4(POMGNT1):c.287G>A (p.Arg96Gln)

Gene: POMGNT1 (protein O-linked mannose N-acetylglucosaminyltransferase 1 (beta 1,2-); minus strand). Cytogenetic location: 1p34.1.
Variant type: single nucleotide variant.
Coding change: c.287G>A on transcript NM_017739.4 (MANE Select); coding-DNA position 287, G replaced by A.
Protein change: p.Arg96Gln; replaces arginine 96 with glutamine.
Molecular consequence: missense variant. On other transcripts: 5 prime UTR variant (1).
Genome position (GRCh38, 1-based): chr1:46,196,798, C>T on the plus strand (G>A on the coding strand, the complement: POMGNT1 is on the minus strand). VCF-style: chr1-46196798-C-T. GRCh37 (hg19) VCF-style: chr1-46662470-C-T.
Other names: c.287G>A, p.Arg96Gln (NM_001243766.2, NM_001410783.1); c.221G>A, p.Arg74Gln (NM_001290129.3); c.-143G>A (NM_001290130.2); short protein forms R96Q, R74Q.
Identifiers: ClinVar variation 651634 (VCV000651634.15), dbSNP rs200227264, ClinGen allele CA833797.

ClinVar aggregate classification (germline): Uncertain significance. Review status: criteria provided, multiple submitters, no conflicts (2 of 4 stars). 6 submissions from 5 submitters: Uncertain significance (5). 1 of the submissions does not count toward it. Last evaluated 2025-02-27.

Conditions:
Congenital Muscular Dystrophy, alpha-dystroglycan related.
Inborn genetic diseases. Identifiers: MedGen C0950123, MeSH D030342.
Autosomal recessive limb-girdle muscular dystrophy type 2O. Also called: Limb-Girdle Muscular Dystrophy Type 3C; MUSCULAR DYSTROPHY-DYSTROGLYCANOPATHY, LIMB-GIRDLE, POMGNT1-RELATED; MUSCULAR DYSTROPHY-DYSTROGLYCANOPATHY (LIMB-GIRDLE), TYPE C, 3. Identifiers: Orphanet 206564, MedGen C3150417, MONDO:0013161, OMIM 613157.
Muscular dystrophy-dystroglycanopathy (congenital with impaired intellectual development), type B, 3. Also called: Muscular dystrophy-dystroglycanopathy (congenital with intellectual disability), type B3; MUSCULAR DYSTROPHY, CONGENITAL, POMGNT1-RELATED. Identifiers: MedGen C3150412, MONDO:0013155, OMIM 613151.
Muscle eye brain disease (MEB). Also called: Santavuori congenital muscular dystrophy. Identifiers: Orphanet 588, Orphanet 899, MedGen C0457133, MONDO:0018939.

Allele frequency attached by ClinVar (database versions not stated): TOPMed 0.00001.
gnomAD v4.1: 10 of 1,614,094 alleles (0.00062%); highest among the groups gnomAD compares: African/African-American, 0.0053%; no homozygotes.

Submissions (6):

Ambry Genetics
Classification: Uncertain significance for Inborn genetic diseases. Last evaluated: 2025-02-27. Review status: criteria provided, single submitter. Criteria: Ambry Variant Classification Scheme 2023. Collection method: clinical testing. Allele origin: germline.

Labcorp Genetics (formerly Invitae), Labcorp
Classification: Uncertain significance for Autosomal recessive limb-girdle muscular dystrophy type 2O; Muscular dystrophy-dystroglycanopathy (congenital with impaired intellectual development), type B, 3. Last evaluated: 2022-05-03. Review status: criteria provided, single submitter. Criteria: Invitae Variant Classification Sherloc (09022015). Collection method: clinical testing. Allele origin: germline.
Comment: This sequence change replaces arginine, which is basic and polar, with glutamine, which is neutral and polar, at codon 96 of the POMGNT1 protein (p.Arg96Gln). This variant is present in population databases (rs200227264, gnomAD 0.004%). This variant has not been reported in the literature in individuals affected with POMGNT1-related conditions. ClinVar contains an entry for this variant (Variation ID: 651634). Advanced modeling of protein sequence and biophysical properties (such as structural, functional, and spatial information, amino acid conservation, physicochemical variation, residue mobility, and thermodynamic stability) performed at Invitae indicates that this missense variant is not expected to disrupt POMGNT1 protein function. In summary, the available evidence is currently insufficient to determine the role of this variant in disease. Therefore, it has been classified as a Variant of Uncertain Significance.

Revvity Omics, Revvity
Classification: Uncertain significance. Last evaluated: 2021-04-12. Review status: criteria provided, single submitter. Criteria: ACMG Guidelines, 2015. Collection method: clinical testing. Allele origin: germline.

Illumina Laboratory Services, Illumina
Classification: Uncertain significance for Congenital Muscular Dystrophy, alpha-dystroglycan related. Last evaluated: 2017-04-27. Review status: criteria provided, single submitter. Criteria: ICSL Variant Classification Criteria 13 December 2019. Collection method: clinical testing. Allele origin: germline.

Illumina Laboratory Services, Illumina
Classification: Uncertain significance for Autosomal recessive limb-girdle muscular dystrophy type 2O. Last evaluated: 2017-04-27. Review status: criteria provided, single submitter. Criteria: ICSL Variant Classification Criteria 13 December 2019. Collection method: clinical testing. Allele origin: germline.

Natera, Inc.
Classification: Uncertain significance for Muscle-eye-brain disease. Last evaluated: 2020-07-15. Review status: no assertion criteria provided. Collection method: clinical testing. Allele origin: germline. Not counted in ClinVar's aggregate classification.